The following is an entry in ClinVar:

NM_174936.4(PCSK9):c.1791C>T (p.His597=)

Gene: PCSK9 (proprotein convertase subtilisin/kexin type 9; plus strand). Cytogenetic location: 1p32.3.
Variant type: single nucleotide variant.
Coding change: c.1791C>T on transcript NM_174936.4 (MANE Select); coding-DNA position 1791, C replaced by T.
Protein change: p.His597=; no amino-acid change (histidine 597 retained).
Molecular consequence: synonymous variant. On other transcripts: non-coding transcript variant (8).
Genome position (GRCh38, 1-based): chr1:55,061,484, C>T. VCF-style: chr1-55061484-C-T. GRCh37 (hg19) VCF-style: chr1-55527157-C-T.
Other names: c.1914C>T, p.His638= (NM_001407240.1); c.1833C>T, p.His611= (NM_001407241.1); c.1794C>T, p.His598= (NM_001407242.1); c.1734C>T, p.His578= (NM_001407243.1); c.1617C>T, p.His539= (NM_001407244.1); c.1599C>T, p.His533= (NM_001407245.1); c.1416C>T, p.His472= (NM_001407246.1); c.1290C>T, p.His430= (NM_001407247.1).
Identifiers: ClinVar variation 630169 (VCV000630169.26), dbSNP rs374856617, ClinGen allele CA038894.

ClinVar aggregate classification (germline): Likely benign. Review status: criteria provided, multiple submitters, no conflicts (2 of 4 stars). 7 submissions from 7 submitters: Likely benign (7). Last evaluated 2025-10-01.

Conditions:
Cardiovascular phenotype. Identifiers: MedGen CN230736.
Hypercholesterolemia, autosomal dominant, 3 (FHCL3). Also called: Familial Hypercholesterolemia, Autosomal Dominant, 3; PCSK9-Related Familial Hypercholesterolemia, Autosomal Dominant; Familial hypercholesterolemia 3. Identifiers: MedGen C1863551, MONDO:0011369, OMIM 603776.
Familial hypercholesterolemia. Also called: Familial hypercholesterolaemia; Familial hypercholesterolemias. Identifiers: MedGen C0020445, MONDO:0005439.

Allele frequency attached by ClinVar (database versions not stated): gnomAD 0.00004 and 0.00005; ExAC 0.00006; ESP Exome Variant Server 0.00008; TOPMed 0.00011; 1000 Genomes Project 0.00020; 1000 Genomes Project 30x 0.00031; gnomAD exomes 0.00002 and 0.00003.

Submissions (7):

CeGaT Center for Human Genetics Tuebingen
Classification: Likely benign. Last evaluated: 2025-10-01. Review status: criteria provided, single submitter. Criteria: CeGaT Center For Human Genetics Tuebingen Variant Classification Criteria Version 2. Collection method: clinical testing. Allele origin: germline. Affected: yes. Observed: 2 variant alleles.
Comment: PCSK9: BP4, BP7

Labcorp Genetics (formerly Invitae), Labcorp
Classification: Likely benign for Hypercholesterolemia, autosomal dominant, 3. Last evaluated: 2025-07-15. Review status: criteria provided, single submitter. Criteria: Invitae Variant Classification Sherloc (09022015). Collection method: clinical testing. Allele origin: germline.

All of Us Research Program, National Institutes of Health
Classification: Likely benign for Hypercholesterolemia, autosomal dominant, 3. Last evaluated: 2024-02-05. Review status: criteria provided, single submitter. Criteria: ACMG Guidelines, 2015. Collection method: clinical testing. Allele origin: germline. Inheritance: Autosomal dominant inheritance. Observed: 11 variant alleles, 11 heterozygotes.
Comment: This study involves interpretation of variants in research participants for the purpose of population health screening. Participant phenotype was not available at the time of variant classification. Additional details can be found in publication PMID: 35346344, PMCID: PMC8962531

Blueprint Genetics
Classification: Likely benign. Last evaluated: 2021-06-21. Review status: criteria provided, single submitter. Criteria: ACMG Guidelines, 2015. Collection method: clinical testing. Allele origin: germline.

Women's Health and Genetics/Laboratory Corporation of America, LabCorp
Classification: Likely benign. Last evaluated: 2020-01-31. Review status: criteria provided, single submitter. Criteria: LabCorp Variant Classification Summary - May 2015. Collection method: clinical testing. Allele origin: germline.

Ambry Genetics
Classification: Likely benign for Cardiovascular phenotype. Last evaluated: 2019-05-16. Review status: criteria provided, single submitter. Criteria: Ambry Variant Classification Scheme 2023. Collection method: clinical testing. Allele origin: germline.

Color Diagnostics, LLC DBA Color Health
Classification: Likely benign for Familial hypercholesterolemias. Last evaluated: 2018-05-11. Review status: criteria provided, single submitter. Criteria: ACMG Guidelines, 2015. Collection method: clinical testing. Allele origin: germline.